The following is an entry in ClinVar:

NM_000245.4(MET):c.3808G>A (p.Gly1270Ser)

Gene: MET (MET proto-oncogene, receptor tyrosine kinase; plus strand). Cytogenetic location: 7q31.2.
Variant type: single nucleotide variant.
Coding change: c.3808G>A on transcript NM_000245.4 (MANE Select); coding-DNA position 3808, G replaced by A.
Protein change: p.Gly1270Ser; replaces glycine 1270 with serine.
Molecular consequence: missense variant.
Genome position (GRCh38, 1-based): chr7:116,795,664, G>A. VCF-style: chr7-116795664-G-A. GRCh37 (hg19) VCF-style: chr7-116435718-G-A.
Other names: c.3862G>A, p.Gly1288Ser (NM_001127500.3); c.2518G>A, p.Gly840Ser (NM_001324402.2); short protein forms G1270S, G840S.
Identifiers: ClinVar variation 167293 (VCV000167293.15), dbSNP rs727504014, ClinGen allele CA234266.

ClinVar aggregate classification (germline): Uncertain significance. Review status: criteria provided, multiple submitters, no conflicts (2 of 4 stars). 3 submissions from 3 submitters: Uncertain significance (3). Last evaluated 2024-12-18.

Conditions:
Renal cell carcinoma. Identifiers: Orphanet 217071, MedGen C0007134, MeSH D002292, MONDO:0005086, HP:0005584.
Hereditary cancer-predisposing syndrome. Also called: Hereditary Cancer Syndrome; Tumor predisposition; Neoplastic Syndromes, Hereditary; Hereditary neoplastic syndrome. Identifiers: Orphanet 140162, MedGen C0027672, MeSH D009386, MONDO:0015356.

Allele frequency attached by ClinVar (database versions not stated): gnomAD exomes below 0.00001.
gnomAD v4.1: 4 of 1,613,778 alleles (0.00025%); highest among the groups gnomAD compares: Middle Eastern, 0.034%; no homozygotes.

Submissions (3):

Labcorp Genetics (formerly Invitae), Labcorp
Classification: Uncertain significance for Renal cell carcinoma. Last evaluated: 2024-12-18. Review status: criteria provided, single submitter. Criteria: Invitae Variant Classification Sherloc (09022015). Collection method: clinical testing. Allele origin: germline.
Comment: This sequence change replaces glycine, which is neutral and non-polar, with serine, which is neutral and polar, at codon 1288 of the MET protein (p.Gly1288Ser). This variant is not present in population databases (gnomAD no frequency). This variant has not been reported in the literature in individuals affected with MET-related conditions. ClinVar contains an entry for this variant (Variation ID: 167293). Invitae Evidence Modeling of protein sequence and biophysical properties (such as structural, functional, and spatial information, amino acid conservation, physicochemical variation, residue mobility, and thermodynamic stability) indicates that this missense variant is expected to disrupt MET protein function with a positive predictive value of 80%. In summary, the available evidence is currently insufficient to determine the role of this variant in disease. Therefore, it has been classified as a Variant of Uncertain Significance.

Ambry Genetics
Classification: Uncertain significance for Hereditary cancer-predisposing syndrome. Last evaluated: 2024-11-29. Review status: criteria provided, single submitter. Criteria: Ambry Variant Classification Scheme 2023. Collection method: clinical testing. Allele origin: germline.
Comment: The p.G1288S variant (also known as c.3862G>A), located in coding exon 19 of the MET gene, results from a G to A substitution at nucleotide position 3862. The glycine at codon 1288 is replaced by serine, an amino acid with similar properties. This amino acid position is highly conserved in available vertebrate species. In addition, this alteration is predicted to be deleterious by in silico analysis. Based on the available evidence, the clinical significance of this variant remains unclear.

Eurofins Ntd Llc (ga)
Classification: Uncertain significance. Last evaluated: 2014-03-03. Review status: criteria provided, single submitter. Criteria: EGL Classification Definitions 2015. Collection method: clinical testing. Allele origin: germline. Observed: 1 variant allele, 1 heterozygote.